The following is an entry in ClinVar:

ClinVar aggregate classification (germline): Likely benign (1 of 4 stars; one submission).

Conditions:
SZT2-related disorder. Also called: SZT2-related condition.

gnomAD v4.1: 15 of 1,604,348 alleles (0.00093%); highest among the groups gnomAD compares: Non-Finnish European, 0.0012%; no homozygotes.

Submission:

PreventionGenetics, part of Exact Sciences
Classification: Likely benign for SZT2-related condition. Last evaluated: 2024-11-15. Review status: criteria provided, single submitter. Criteria: ACMG Guidelines, 2015. Collection method: clinical testing. Allele origin: germline.
Comment: This variant is classified as likely benign based on ACMG/AMP sequence variant interpretation guidelines (Richards et al. 2015 PMID: 25741868, with internal and published modifications).

NM_001365999.1(SZT2):c.7242G>A (p.Lys2414=)

Gene: SZT2 (SZT2 subunit of KICSTOR complex; plus strand). Cytogenetic location: 1p34.2.
Variant type: single nucleotide variant.
Coding change: c.7242G>A on transcript NM_001365999.1 (MANE Select); coding-DNA position 7242, G replaced by A.
Protein change: p.Lys2414=; no amino-acid change (lysine 2414 retained).
Molecular consequence: synonymous variant.
Genome position (GRCh38, 1-based): chr1:43,440,484, G>A. VCF-style: chr1-43440484-G-A. GRCh37 (hg19) VCF-style: chr1-43906155-G-A.
Other names: c.7071G>A, p.Lys2357= (NM_015284.4).
Identifiers: ClinVar variation 4985995 (VCV004985995.1).
Genomic context (GRCh38, chr1:43,440,484, plus strand): 5'-TGGGTGTCTGTAATGTCTGATGTCCACAGGAAGTCTCAGGAACGGATCGTTGGAAACTAA[G>A]AGCTCTGCAGGCCGAGCTAGCACCTTTCCCCCTGCCCCTGTCCCTGGGGAGCCTGTGACT-3'
Protein context (NP_001352928.1, residues 2404-2424): GSLRNGSLET[Lys2414=]SSAGRASTFP